The following is an entry in ClinVar:

NM_001377142.1(PLCB4):c.1514A>G (p.Asp505Gly)

Gene: PLCB4 (phospholipase C beta 4; plus strand). Cytogenetic location: 20p12.2.
Variant type: single nucleotide variant.
Coding change: c.1514A>G on transcript NM_001377142.1 (MANE Select); coding-DNA position 1514, A replaced by G.
Protein change: p.Asp505Gly; replaces aspartic acid 505 with glycine.
Molecular consequence: missense variant.
Genome position (GRCh38, 1-based): chr20:9,401,493, A>G. VCF-style: chr20-9401493-A-G. GRCh37 (hg19) VCF-style: chr20-9382140-A-G.
Other names: c.1514A>G, p.Asp505Gly (NM_000933.4, NM_001172646.2, NM_001377134.2 and 4 more transcripts); short protein forms D505G.
Identifiers: ClinVar variation 5020941 (VCV005020941.1).

ClinVar aggregate classification (germline): Uncertain significance (1 of 4 stars; one submission).

Submission:

Dasa
Classification: Uncertain significance. Last evaluated: 2025-06-03. Review status: criteria provided, single submitter. Criteria: DASA Assertion Criteria. Collection method: clinical testing. Allele origin: germline.
Comment: NM_001377142.1(PLCB4):c.1514A>G (p.Asp505Gly) is a missense variant that results in the substitution of aspartic acid with glycine. This variant is absent from population databases. Computational prediction algorithms are consistent with a benign effect. The currently available literature and clinical evidence are not sufficient to establish a definitive association between this variant and the reported condition. Therefore, this variant is classified as a variant of uncertain significance.